The following is an entry in ClinVar:

ClinVar aggregate classification (germline): Pathogenic (1 of 4 stars; one submission).

Submission:

Labcorp Genetics (formerly Invitae), Labcorp
Classification: Pathogenic. Last evaluated: 2023-12-10. Review status: criteria provided, single submitter. Criteria: Invitae Variant Classification Sherloc (09022015). Collection method: clinical testing. Allele origin: germline.
Comment: This sequence change creates a premature translational stop signal (p.Lys99Ilefs*4) in the CFI gene. It is expected to result in an absent or disrupted protein product. Loss-of-function variants in CFI are known to be pathogenic (PMID: 15917334, 16621965, 19065647, 20016463, 22710145). This variant is not present in population databases (gnomAD no frequency). This variant has not been reported in the literature in individuals affected with CFI-related conditions. For these reasons, this variant has been classified as Pathogenic.

Literature cited by the submitters: PubMed 15917334; PubMed 16621965; PubMed 19065647; PubMed 20016463; PubMed 22710145.

NM_000204.5(CFI):c.296_297del (p.Lys99fs)

Gene: CFI (complement factor I; minus strand). Cytogenetic location: 4q25.
Variant type: Deletion.
Coding change: c.296_297del on transcript NM_000204.5 (MANE Select); coding-DNA positions 296 to 297, 2 bases deleted (AG; older notation c.296_297delAG).
Protein change: p.Lys99fs; shifts the reading frame from lysine 99.
Molecular consequence: frameshift variant. On other transcripts: non-coding transcript variant (3), intron variant (1).
Genome position (GRCh38, 1-based): chr4:109,766,585-109,766,586, CT deleted on the plus strand (AG on the coding strand, the reverse complement: CFI is on the minus strand). VCF-style (leftmost placement, unchanged base first): chr4-109766584-ACT-A. GRCh37 (hg19) VCF-style: chr4-110687740-ACT-A.
Other names: c.296_297del, p.Lys99fs (NM_001318057.2, NM_001331035.2, NM_001375278.1 and 5 more transcripts); c.-127-4894_-127-4893del (NM_001375284.1); short protein forms K99fs.
Identifiers: ClinVar variation 2702129 (VCV002702129.3), dbSNP rs2545456303, ClinGen allele CA2697546855.